The following is an entry in ClinVar:

ClinVar aggregate classification (germline): Benign. Review status: criteria provided, multiple submitters, no conflicts (2 of 4 stars). 2 submissions from 2 submitters: Benign (2). Last evaluated 2025-12-03.

Conditions:
Brain small vessel disease 2A, autosomal dominant. Also called: Porencephaly 2. Identifiers: Orphanet 2940, Orphanet 99810, MedGen C3280970, MONDO:0013773, OMIM 614483.

Allele frequency attached by ClinVar (database versions not stated): gnomAD 0.00001 and 0.00004; gnomAD exomes 0.00011; ExAC 0.00017; 1000 Genomes Project 30x 0.00031; 1000 Genomes Project 0.00040.
gnomAD v4.1: 81 of 1,544,650 alleles (0.0052%); highest among the groups gnomAD compares: South Asian, 0.087%; 1 homozygote.

Submissions (2):

Labcorp Genetics (formerly Invitae), Labcorp
Classification: Benign. Last evaluated: 2025-12-03. Review status: criteria provided, single submitter. Criteria: Invitae Variant Classification Sherloc (09022015). Collection method: clinical testing. Allele origin: germline.

Illumina Laboratory Services, Illumina
Classification: Benign for Brain small vessel disease 2A, autosomal dominant. Last evaluated: 2018-03-06. Review status: criteria provided, single submitter. Criteria: ICSL Variant Classification Criteria 13 December 2019. Collection method: clinical testing. Allele origin: germline.
Comment: This variant was observed in the ICSL laboratory as part of a predisposition screen in an ostensibly healthy population. It had not been previously curated by ICSL or reported in the Human Gene Mutation Database (HGMD: prior to June 1st, 2018), and was therefore a candidate for classification through an automated scoring system. Utilizing variant allele frequency, disease prevalence and penetrance estimates, and inheritance mode, an automated score was calculated to assess if this variant is too frequent to cause the disease. Based on the score and internal cut-off values, a variant classified as benign is not then subjected to further curation. The score for this variant resulted in a classification of benign for this disease.

NM_001846.4(COL4A2):c.361-11C>G

Gene: COL4A2 (collagen type IV alpha 2 chain; plus strand). Cytogenetic location: 13q34.
Variant type: single nucleotide variant.
Coding change: c.361-11C>G on transcript NM_001846.4 (MANE Select); 11 bases into the intron before coding-DNA position 361, C replaced by G.
Molecular consequence: intron variant.
Genome position (GRCh38, 1-based): chr13:110,428,456, C>G. VCF-style: chr13-110428456-C-G. GRCh37 (hg19) VCF-style: chr13-111080803-C-G.
Identifiers: ClinVar variation 883464 (VCV000883464.11), dbSNP rs532415822, ClinGen allele CA7048868.